The following is an entry in ClinVar:

ClinVar aggregate classification (germline): Benign (1 of 4 stars; one submission).

Allele frequency attached by ClinVar (database versions not stated): gnomAD 0.34409 and 0.34529; 1000 Genomes Project 30x 0.34541; 1000 Genomes Project 0.34625; TOPMed 0.34787.
gnomAD v4.1: 52,224 of 151,726 alleles (34%); highest among the groups gnomAD compares: African/African-American, 43%; 9,320 homozygotes.

Submission:

GeneDx
Classification: Benign. Last evaluated: 2018-06-19. Review status: criteria provided, single submitter. Criteria: GeneDx Variant Classification (06012015). Collection method: clinical testing. Allele origin: germline. Affected: yes.
Comment: This variant is considered likely benign or benign based on one or more of the following criteria: it is a conservative change, it occurs at a poorly conserved position in the protein, it is predicted to be benign by multiple in silico algorithms, and/or has population frequency not consistent with disease.

NM_017636.4(TRPM4):c.2020-347A>G

Gene: TRPM4 (transient receptor potential cation channel subfamily M member 4; plus strand). Cytogenetic location: 19q13.33.
Variant type: single nucleotide variant.
Coding change: c.2020-347A>G on transcript NM_017636.4 (MANE Select); 347 bases into the intron before coding-DNA position 2020, A replaced by G.
Molecular consequence: intron variant.
Genome position (GRCh38, 1-based): chr19:49,189,861, A>G. VCF-style: chr19-49189861-A-G. GRCh37 (hg19) VCF-style: chr19-49693118-A-G.
Other names: c.2020-347A>G (NM_001195227.2); c.412-347A>G (NM_001321282.2); c.1675-347A>G (NM_001321281.2); c.1498-347A>G (NM_001321283.2); c.958-347A>G (NM_001321285.2).
Identifiers: ClinVar variation 684040 (VCV000684040.1), dbSNP rs1175792, ClinGen allele CA14728647.
Genomic context (GRCh38, chr19:49,189,861, plus strand): 5'-CCAGAGTCCCTTGCTGTGGATAGTGGTTAAACTCATGGATTCCAGCTCTACCACATACAA[A>G]CTGTGTTTCTTTGGGCCGTTTCCTTAACCTCTCTGTGCCTCATGTGTACCAAGGAGGAGA-3'